The following is an entry in ClinVar:

ClinVar aggregate classification (germline): Pathogenic (1 of 4 stars; one submission).

Conditions:
DiGeorge syndrome. Also called: Catch22; THIRD AND FOURTH PHARYNGEAL POUCH SYNDROME. Identifiers: Orphanet 567, MedGen C0012236, MONDO:0008564, OMIM 188400.

Submission:

Labcorp Genetics (formerly Invitae), Labcorp
Classification: Pathogenic for DiGeorge syndrome. Last evaluated: 2024-11-19. Review status: criteria provided, single submitter. Criteria: Invitae Variant Classification Sherloc (09022015). Collection method: clinical testing. Allele origin: germline.
Comment: This sequence change affects a donor splice site in intron 8 of the TBX1 gene. RNA analysis indicates that disruption of this splice site induces altered splicing and likely disrupts the C-terminus of the protein. This variant is not present in population databases (gnomAD no frequency). Disruption of this splice site has been observed in individual(s) with clinical features of TBX1-related conditions (PMID: 30137364). Variants that disrupt the consensus splice site are a relatively common cause of aberrant splicing (PMID: 17576681, 9536098). Studies have shown that disruption of this splice site results in skipping of exon 8 and introduces a new termination codon (PMID: 30137364). However the mRNA is not expected to undergo nonsense-mediated decay. This variant disrupts a region of the TBX1 protein in which other variant(s) (p.Glu409*) have been determined to be pathogenic (internal data). This suggests that this is a clinically significant region of the protein, and that variants that disrupt it are likely to be disease-causing. For these reasons, this variant has been classified as Pathogenic.

Literature cited by the submitters: PubMed 30137364; PubMed 17576681; PubMed 9536098.

NM_001379200.1(TBX1):c.1036+2T>C

Gene: TBX1 (T-box transcription factor 1; plus strand). Cytogenetic location: 22q11.21.
Variant type: single nucleotide variant.
Coding change: c.1036+2T>C on transcript NM_001379200.1 (MANE Select); the canonical splice donor site of the intron after coding-DNA position 1036, T replaced by C.
Molecular consequence: splice donor variant.
Genome position (GRCh38, 1-based): chr22:19,766,004, T>C. VCF-style: chr22-19766004-T-C. GRCh37 (hg19) VCF-style: chr22-19753527-T-C.
Other names: c.1009+2T>C (NM_005992.1, NM_080646.2, NM_080647.1).
Identifiers: ClinVar variation 3706411 (VCV003706411.2).